The following is an entry in ClinVar:

NM_182914.3(SYNE2):c.3244-3T>C

Gene: SYNE2 (spectrin repeat containing nuclear envelope protein 2; plus strand). Cytogenetic location: 14q23.2.
Variant type: single nucleotide variant.
Coding change: c.3244-3T>C on transcript NM_182914.3 (MANE Select); 3 bases into the intron before coding-DNA position 3244, T replaced by C.
Molecular consequence: intron variant.
Genome position (GRCh38, 1-based): chr14:63,998,216, T>C. VCF-style: chr14-63998216-T-C. GRCh37 (hg19) VCF-style: chr14-64464934-T-C.
Other names: c.3244-3T>C (NM_015180.6).
Identifiers: ClinVar variation 1400502 (VCV001400502.6), dbSNP rs764351817, ClinGen allele CA7219914.

ClinVar aggregate classification (germline): Uncertain significance (1 of 4 stars; one submission).

Conditions:
Emery-Dreifuss muscular dystrophy 5, autosomal dominant (EDMD5). Also called: EMERY-DREIFUSS MUSCULAR DYSTROPHY 5. Identifiers: Orphanet 261, MedGen C2751805, MONDO:0013072, OMIM 612999.

Allele frequency attached by ClinVar (database versions not stated): ExAC 0.00001; gnomAD exomes 0.00001 and 0.00002; TOPMed 0.00008; gnomAD 0.00009 and 0.00010.
gnomAD v4.1: 27 of 1,605,436 alleles (0.0017%); highest among the groups gnomAD compares: African/African-American, 0.032%; no homozygotes.

Submission:

Labcorp Genetics (formerly Invitae), Labcorp
Classification: Uncertain significance for Emery-Dreifuss muscular dystrophy 5, autosomal dominant. Last evaluated: 2021-08-23. Review status: criteria provided, single submitter. Criteria: Invitae Variant Classification Sherloc (09022015). Collection method: clinical testing. Allele origin: germline.
Comment: In summary, the available evidence is currently insufficient to determine the role of this variant in disease. Therefore, it has been classified as a Variant of Uncertain Significance. Variants that disrupt the consensus splice site are a relatively common cause of aberrant splicing (PMID: 17576681, 9536098). Algorithms developed to predict the effect of sequence changes on RNA splicing suggest that this variant is not likely to affect RNA splicing. This variant has not been reported in the literature in individuals affected with SYNE2-related conditions. This variant is present in population databases (rs764351817, ExAC 0.01%). This sequence change falls in intron 25 of the SYNE2 gene. It does not directly change the encoded amino acid sequence of the SYNE2 protein. It affects a nucleotide within the consensus splice site of the intron.

Literature cited by the submitters: PubMed 17576681; PubMed 9536098.